The following is an entry in ClinVar:

ClinVar aggregate classification (germline): Uncertain significance (1 of 4 stars; one submission).

Conditions:
Hereditary cancer-predisposing syndrome. Also called: Neoplastic Syndromes, Hereditary; Tumor predisposition; Hereditary Cancer Syndrome; Hereditary neoplastic syndrome. Identifiers: Orphanet 140162, MedGen C0027672, MeSH D009386, MONDO:0015356.

Submission:

Ambry Genetics
Classification: Uncertain significance for Hereditary cancer-predisposing syndrome. Last evaluated: 2022-03-02. Review status: criteria provided, single submitter. Criteria: Ambry Variant Classification Scheme 2023. Collection method: clinical testing. Allele origin: germline.
Comment: The p.D693N variant (also known as c.2077G>A), located in coding exon 19 of the MRE11A gene, results from a G to A substitution at nucleotide position 2077. The aspartic acid at codon 693 is replaced by asparagine, an amino acid with highly similar properties. This amino acid position is conserved. In addition, this alteration is predicted to be tolerated by in silico analysis. Since supporting evidence is limited at this time, the clinical significance of this alteration remains unclear.

NM_005591.4(MRE11):c.2077G>A (p.Asp693Asn)

Gene: MRE11 (MRE11 double strand break repair nuclease; minus strand). Cytogenetic location: 11q21.
Variant type: single nucleotide variant.
Coding change: c.2077G>A on transcript NM_005591.4 (MANE Select); coding-DNA position 2077, G replaced by A.
Protein change: p.Asp693Asn; replaces aspartic acid 693 with asparagine.
Molecular consequence: missense variant.
Genome position (GRCh38, 1-based): chr11:94,420,175, C>T on the plus strand (G>A on the coding strand, the complement: MRE11 is on the minus strand). VCF-style: chr11-94420175-C-T. GRCh37 (hg19) VCF-style: chr11-94153341-C-T.
Other names: c.2074G>A, p.Asp692Asn (NM_001330347.2); c.1993G>A, p.Asp665Asn (NM_005590.4); short protein forms D665N, D692N, D693N.
Identifiers: ClinVar variation 1800005 (VCV001800005.2), dbSNP rs2496089631, ClinGen allele CA382372608.